The following is an entry in ClinVar:

NM_000264.5(PTCH1):c.676T>G (p.Cys226Gly)

Gene: PTCH1 (patched 1; minus strand). Cytogenetic location: 9q22.32.
Variant type: single nucleotide variant.
Coding change: c.676T>G on transcript NM_000264.5 (MANE Select); coding-DNA position 676, T replaced by G.
Protein change: p.Cys226Gly; replaces cysteine 226 with glycine.
Molecular consequence: missense variant. On other transcripts: non-coding transcript variant (1).
Genome position (GRCh38, 1-based): chr9:95,482,019, A>C on the plus strand (T>G on the coding strand, the complement: PTCH1 is on the minus strand). VCF-style: chr9-95482019-A-C. GRCh37 (hg19) VCF-style: chr9-98244301-A-C.
Other names: c.478T>G, p.Cys160Gly (NM_001083602.3, NM_001354919.2); c.673T>G, p.Cys225Gly (NM_001083603.3); c.223T>G, p.Cys75Gly (NM_001083604.3, NM_001083605.3, NM_001083606.3 and 1 more transcripts); c.676T>G, p.Cys226Gly (NM_001354918.2); short protein forms C160G, C226G, C225G, C75G.
Identifiers: ClinVar variation 2704024 (VCV002704024.5), dbSNP rs2538245781, ClinGen allele CA374114945.

ClinVar aggregate classification (germline): Uncertain significance. Review status: criteria provided, multiple submitters, no conflicts (2 of 4 stars). 2 submissions from 2 submitters: Uncertain significance (2). Last evaluated 2026-04-23.

Conditions:
Hereditary cancer-predisposing syndrome. Also called: Tumor predisposition; Hereditary neoplastic syndrome; Neoplastic Syndromes, Hereditary; Hereditary Cancer Syndrome. Identifiers: Orphanet 140162, MedGen C0027672, MeSH D009386, MONDO:0015356.
Gorlin syndrome. Also called: Nevoid Basal Cell Carcinoma Syndrome; Basal cell nevus syndrome. Identifiers: Orphanet 377, MedGen C0004779, MONDO:0007187.

Submissions (2):

Ambry Genetics
Classification: Uncertain significance for Hereditary cancer-predisposing syndrome. Last evaluated: 2026-04-23. Review status: criteria provided, single submitter. Criteria: Ambry Variant Classification Scheme 2023. Collection method: clinical testing. Allele origin: germline.
Comment: The p.C226G variant (also known as c.676T>G), located in coding exon 5 of the PTCH1 gene, results from a T to G substitution at nucleotide position 676. The cysteine at codon 226 is replaced by glycine, an amino acid with highly dissimilar properties. This amino acid position is conserved. In addition, this alteration is predicted to be deleterious by in silico analysis. Based on the available evidence, the clinical significance of this variant remains unclear.

Labcorp Genetics (formerly Invitae), Labcorp
Classification: Uncertain significance for Gorlin syndrome. Last evaluated: 2023-12-19. Review status: criteria provided, single submitter. Criteria: Invitae Variant Classification Sherloc (09022015). Collection method: clinical testing. Allele origin: germline.
Comment: This sequence change replaces cysteine, which is neutral and slightly polar, with glycine, which is neutral and non-polar, at codon 226 of the PTCH1 protein (p.Cys226Gly). This variant is not present in population databases (gnomAD no frequency). This variant has not been reported in the literature in individuals affected with PTCH1-related conditions. Advanced modeling of protein sequence and biophysical properties (such as structural, functional, and spatial information, amino acid conservation, physicochemical variation, residue mobility, and thermodynamic stability) performed at Invitae indicates that this missense variant is expected to disrupt PTCH1 protein function with a positive predictive value of 95%. In summary, the available evidence is currently insufficient to determine the role of this variant in disease. Therefore, it has been classified as a Variant of Uncertain Significance.